The following is an entry in ClinVar:

ClinVar aggregate classification (germline): Conflicting classifications of pathogenicity. Review status: criteria provided, conflicting classifications (1 of 4 stars). 7 submissions from 7 submitters: Pathogenic (1); Likely pathogenic (5); Uncertain significance (1). Last evaluated 2025-08-01.

Conditions:
Familial thoracic aortic aneurysm and aortic dissection (TAAD). Also called: Thoracic aortic aneurysms and dissections. Identifiers: Orphanet 91387, MedGen C4707243, MONDO:0019625.
Marfan syndrome (MFS). Also called: Marfan syndrome type 1; Marfan syndrome, classic; FBN1-Related Marfan Syndrome; Marfan's syndrome; MARFAN SYNDROME, TYPE I. Identifiers: Orphanet 284963, Orphanet 558, MedGen C0024796, MONDO:0007947, OMIM 154700.

Allele frequency attached by ClinVar (database versions not stated): TOPMed below 0.00001; gnomAD 0.00001.
gnomAD v4.1: 1 of 1,614,018 alleles (0.000062%); highest among the groups gnomAD compares: Non-Finnish European, 0.000085%; no homozygotes.

Submissions (7):

CeGaT Center for Human Genetics Tuebingen
Classification: Uncertain significance. Last evaluated: 2025-08-01. Review status: criteria provided, single submitter. Criteria: CeGaT Center For Human Genetics Tuebingen Variant Classification Criteria Version 2. Collection method: clinical testing. Allele origin: germline. Affected: yes. Observed: 1 variant allele.
Comment: FBN1: PM2, PP3

Color Diagnostics, LLC DBA Color Health
Classification: Likely pathogenic for Familial thoracic aortic aneurysm and aortic dissection. Last evaluated: 2025-07-28. Review status: criteria provided, single submitter. Criteria: ACMG Guidelines, 2015. Collection method: clinical testing. Allele origin: germline.
Comment: This missense variant replaces cysteine with arginine at codon 993 in the transforming growth factor beta-binding protein-like (TB) motif 5 of the FBN1 protein. About 90% of variants altering cysteine residues in the TB domains of the FBN1 gene are associated with disease (PMID: 31227806). Computational prediction suggests that this variant may have a deleterious impact on protein structure and function. This variant has been observed in individuals affected with FBN1-related disorders (communication with an external laboratoryClinVar SCV000753077.4, SCV006079603.1). This variant has not been identified in the general population by the Genome Aggregation Database (gnomAD). Based on the available evidence, this variant is classified as Likely Pathogenic.

Labcorp Genetics (formerly Invitae), Labcorp
Classification: Pathogenic for Marfan syndrome; Familial thoracic aortic aneurysm and aortic dissection. Last evaluated: 2025-05-12. Review status: criteria provided, single submitter. Criteria: Invitae Variant Classification Sherloc (09022015). Collection method: clinical testing. Allele origin: germline.
Comment: This sequence change replaces cysteine, which is neutral and slightly polar, with arginine, which is basic and polar, at codon 993 of the FBN1 protein (p.Cys993Arg). This variant is not present in population databases (gnomAD no frequency). This missense change has been observed in individuals with aortopathy (internal data). ClinVar contains an entry for this variant (Variation ID: 527187). Invitae Evidence Modeling of protein sequence and biophysical properties (such as structural, functional, and spatial information, amino acid conservation, physicochemical variation, residue mobility, and thermodynamic stability) indicates that this missense variant is expected to disrupt FBN1 protein function with a positive predictive value of 95%. This variant affects a cysteine residue in the EGF-like, TGFBP or hybrid motif domains of FBN1. Cysteine residues are believed to be involved in intramolecular disulfide bridges and have been shown to be important for FBN1 protein structure (PMID: 16905551, 19349279). In addition, missense substitutions affecting cysteine residues within these domains are significantly overrepresented among patients with Marfan syndrome (PMID: 16571647, 17701892). For these reasons, this variant has been classified as Pathogenic.

Clinical Biomedical Laboratory, Shriners Hospital For Children - Canada
Classification: Likely pathogenic for Marfan syndrome. Last evaluated: 2025-05-08. Review status: criteria provided, single submitter. Criteria: ACMG Guidelines, 2015. Collection method: clinical testing. Allele origin: germline. Affected: yes.
Comment: This variant substitutes a cysteine residue by an arginine residue. This variant is absent from Genome Aggregation Database (v2.1.1). This specific variant has been reported in the literature (PMID 12938084). In silico predictions indicate that changes are detrimental and affect a highly conserved residue. Based on the ACMG variant interpretation guidelines, the available evidence supports classification of this variant as likely pathogenic.

GeneDx
Classification: Likely pathogenic. Last evaluated: 2024-09-26. Review status: criteria provided, single submitter. Criteria: GeneDx Variant Classification Process June 2021. Collection method: clinical testing. Allele origin: germline. Affected: yes.
Comment: Affects a cysteine residue within a TGF-binding protein domain (aka TB domain or 8-Cysteine domain) and is expected to disrupt disulfide bonding within this domain; other missense substitutions that affect cysteine residues within this TGF-binding protein domain have been reported in association with various FBN1-related phenotypes, including Marfan syndrome (HGMD); Has not been previously published as pathogenic or benign to our knowledge; Not observed at significant frequency in large population cohorts (gnomAD); In silico analysis supports that this missense variant has a deleterious effect on protein structure/function

All of Us Research Program, National Institutes of Health
Classification: Likely pathogenic for Marfan syndrome. Last evaluated: 2023-04-24. Review status: criteria provided, single submitter. Criteria: ACMG Guidelines, 2015. Collection method: clinical testing. Allele origin: germline. Inheritance: Autosomal dominant inheritance. Observed: 1 variant allele, 1 heterozygote.
Comment: This missense variant replaces cysteine with arginine at codon 993 in the transforming growth factor beta--binding protein-like (TB) motif 5 of the FBN1 protein. About 90% of variants altering cysteine residues in the TB domains of the FBN1 gene are associated with disease (PMID: 31227806). Computational prediction also suggests that this variant may have deleterious impact on protein structure and function (internally defined REVEL score threshold >= 0.7, PMID: 27666373). This variant has been observed in two individuals affected with FBN1-related disorders (communication with an external laboratory; ClinVar SCV000753077.4). This variant has not been identified in the general population by the Genome Aggregation Database (gnomAD). Based on the available evidence, this variant is classified as Likely Pathogenic.

This study involves interpretation of variants in research participants for the purpose of population health screening. Participant phenotype was not available at the time of variant classification. Additional details can be found in publication PMID: 35346344, PMCID: PMC8962531

ARUP Laboratories, Molecular Genetics and Genomics, ARUP Laboratories
Classification: Likely pathogenic. Last evaluated: 2017-11-16. Review status: criteria provided, single submitter. Criteria: ARUP Molecular Germline Variant Investigation Process. Collection method: clinical testing. Allele origin: germline.

Literature cited by the submitters: PubMed 31227806 (cited by Color Diagnostics, LLC DBA Color Health and All of Us Research Program, National Institutes of Health); PubMed 16905551 (cited by Labcorp Genetics (formerly Invitae), Labcorp); PubMed 19349279 (cited by Labcorp Genetics (formerly Invitae), Labcorp); PubMed 16571647 (cited by Labcorp Genetics (formerly Invitae), Labcorp); PubMed 17701892 (cited by Labcorp Genetics (formerly Invitae), Labcorp); PubMed 12938084 (cited by Clinical Biomedical Laboratory, Shriners Hospital For Children - Canada).

NM_000138.5(FBN1):c.2977T>C (p.Cys993Arg)

Gene: FBN1 (fibrillin 1; minus strand). Cytogenetic location: 15q21.1.
Variant type: single nucleotide variant.
Coding change: c.2977T>C on transcript NM_000138.5 (MANE Select); coding-DNA position 2977, T replaced by C.
Protein change: p.Cys993Arg; replaces cysteine 993 with arginine.
Molecular consequence: missense variant.
Genome position (GRCh38, 1-based): chr15:48,489,956, A>G on the plus strand (T>C on the coding strand, the complement: FBN1 is on the minus strand). VCF-style: chr15-48489956-A-G. GRCh37 (hg19) VCF-style: chr15-48782153-A-G.
Other names: short protein forms C993R.
Identifiers: ClinVar variation 527187 (VCV000527187.29), dbSNP rs1206813753, ClinGen allele CA392329308.
Genomic context (GRCh38, chr15:48,489,956, plus strand): 5'-CGGGTCCTCTCGGACACAGCTCCTCGTACTCAGGAGTATTTCTCATGGGACACTCCTCGC[A>G]TTCCTCAGTACCCCAGGCTGCCCCGACGGAGCAGCAGCAGGCGTCCATGCGGTGGCGGCC-3'
Protein context (NP_000129.3, residues 983-1003): SVGAAWGTEE[Cys993Arg]EECPMRNTPE